The following is an entry in ClinVar:

ClinVar aggregate classification (germline): Pathogenic/Likely pathogenic. Review status: criteria provided, multiple submitters, no conflicts (2 of 4 stars). 4 submissions from 4 submitters: Pathogenic (2); Likely pathogenic (1). 1 of the submissions does not count toward it. Last evaluated 2020-11-18.

Conditions:
PPARG-related familial partial lipodystrophy. Also called: LIPODYSTROPHY, FAMILIAL PARTIAL, ASSOCIATED WITH PPARG MUTATIONS. Identifiers: Orphanet 79083, MedGen C1720861, MONDO:0011448, OMIM 604367.
Lipodystrophy. Also called: Lipodystrophy (disease). Identifiers: MedGen C0023787, MONDO:0006573, HP:0009125.

Allele frequency attached by ClinVar (database versions not stated): gnomAD exomes below 0.00001.
gnomAD v4.1: 3 of 1,614,060 alleles (0.00019%); highest among the groups gnomAD compares: Non-Finnish European, 0.00025%; no homozygotes.

Submissions (4):

Labcorp Genetics (formerly Invitae), Labcorp
Classification: Pathogenic. Last evaluated: 2020-11-18. Review status: criteria provided, single submitter. Criteria: Invitae Variant Classification Sherloc (09022015). Collection method: clinical testing. Allele origin: germline.
Comment: For these reasons, this variant has been classified as Pathogenic. Experimental studies have shown that this variant affects PPARG protein function (PMID: 10622252, 12663460, 22539598, 15254591, 17003330). This variant has been observed in individual(s) with familial partial lipodystrophy type 3 (PMID: 12663460, 10622252). In at least one individual the variant was observed to be de novo. This variant is also known as p.Pro467Leu in the literature. ClinVar contains an entry for this variant (Variation ID: 8136). This variant is not present in population databases (ExAC no frequency). This sequence change replaces proline with leucine at codon 495 of the PPARG protein (p.Pro495Leu). The proline residue is highly conserved and there is a moderate physicochemical difference between proline and leucine.

Broad Center for Mendelian Genomics, Broad Institute of MIT and Harvard
Classification: Pathogenic for Lipodystrophy (disease). Last evaluated: 2020-01-22. Review status: criteria provided, single submitter. Criteria: ACMG Guidelines, 2015. Collection method: curation. Allele origin: germline. Inheritance: Autosomal dominant inheritance.
Comment: The p.Pro495Leu variant (sometimes called p.Pro467Leu) in PPARG has been reported in 2 individuals with lipodystrophy, segregated with disease in these 2 affected relatives from 1 family (PMID: 10622252), and has been identified in 0.0009% (1/113420) of European (non-Finnish) chromosomes by the Genome Aggregation Database (gnomAD; dbSNP rs121909244). This variant has also been reported in ClinVar as a VUS, likely pathogenic, and pathogenic (Variation ID: 8136). Please note that for diseases with clinical variability, or reduced penetrance, pathogenic variants may be present at a low frequency in the general population. In vitro functional studies provide some evidence that the p.Pro495Leu variant may impact protein function (PMID: 10622252). However, these types of assays may not accurately represent biological function. Animal models in mice have shown that this variant causes lipodystrophy (PMID: 15254591). Computational prediction tools and conservation analyses suggest that this variant may impact the protein, though this information is not predictive enough to determine pathogenicity. This variant was found to be de novo in 1 individual with confirmed paternity and maternity (PMID: 10622252). The p.Pro495Leu is located in a region of PPARG that is essential to protein folding and stability, suggesting that this variant is in a functional domain and supports pathogenicity (PMID: 10622252). In summary, this variant meets criteria to be classified as pathogenic for lipodystrophy in an autosomal dominant manner based on a mouse model for this variant having the same phenotype as well as a de novo occurrence of this variant in an affected patient. ACMG/AMP Criteria applied: PS2, PS3, PM2, PM1, PP3 (Richards 2015).

Illumina Laboratory Services, Illumina
Classification: Likely pathogenic for PPARG-related familial partial lipodystrophy. Last evaluated: 2017-04-27. Review status: criteria provided, single submitter. Criteria: ICSL Variant Classification Criteria 09 May 2019. Collection method: clinical testing. Allele origin: germline.
Comment: The variant was not found in any of the five unaffected family members tested, showing that the variant segregated with disease over two generations. The p.Pro495Leu variant was absent from 314 control chromosomes and is not found in the 1000 Genomes Project, the Exome Sequencing Project, or the Exome Aggregation Consortium. The p.Pro495Leu variant is located in the PPARG ligand binding domain. Functional studies showed that the variant protein had severely impaired ligand binding ability, abnormal activation profile and inhibited the function of the wild type protein (Barroso et al. 1999). Majithia et al. (2014) describe an in vitro assay wherein the p.Pro495Leu variant had a significantly reduced ability to rescue differentiation of adipocytes when compared to wild type PPARG. Modrick et al. (2012) showed that mice with the p.Pro495Leu variant had vascular dysfunction not seen in the wild type mice. Tsai et al. (2004) demonstrated that homozygosity for the variant is lethal in utero for mice establishing that the mutant protein is functionally null. Mice who were heterozygous for the variant showed abnormal fat distribution and hypertension but not insulin resistance. Based on the evidence the p.Pro495Leu variant is classified as likely pathogenic for familial partial lipodystrophy. This variant was observed by ICSL as part of a predisposition screen in an ostensibly healthy population.

OMIM
Classification: Pathogenic for LIPODYSTROPHY, FAMILIAL PARTIAL, TYPE 3. Last evaluated: 2003-04-01. Review status: no assertion criteria provided. Collection method: literature only. Allele origin: germline. Not counted in ClinVar's aggregate classification.

Literature cited by the submitters: PubMed 10622252 (cited by 4 submitters); PubMed 12663460 (cited by Labcorp Genetics (formerly Invitae), Labcorp and OMIM); PubMed 22539598 (cited by Labcorp Genetics (formerly Invitae), Labcorp); PubMed 15254591 (cited by 3 submitters); PubMed 17003330 (cited by Labcorp Genetics (formerly Invitae), Labcorp); PubMed 22461176 (cited by Illumina Laboratory Services, Illumina); PubMed 25157153 (cited by Illumina Laboratory Services, Illumina).

NM_138711.6(PPARG):c.1394C>T (p.Pro465Leu)

Gene: PPARG (peroxisome proliferator activated receptor gamma; plus strand). Cytogenetic location: 3p25.2.
Variant type: single nucleotide variant.
Coding change: c.1394C>T on transcript NM_138711.6 (MANE Select); coding-DNA position 1394, C replaced by T.
Protein change: p.Pro465Leu; replaces proline 465 with leucine.
Molecular consequence: missense variant. On other transcripts: 3 prime UTR variant (5).
Genome position (GRCh38, 1-based): chr3:12,434,111, C>T. VCF-style: chr3-12434111-C-T. GRCh37 (hg19) VCF-style: chr3-12475610-C-T.
Other names: P467L; c.*196C>T (NM_001330615.4, NM_001374261.3, NM_001374262.3 and 1 more transcripts); c.1394C>T, p.Pro465Leu (NM_001354666.3, NM_001354667.3, NM_001374263.2 and 3 more transcripts); c.767C>T, p.Pro256Leu (NM_001354669.2); c.*180C>T (NM_001374266.1); c.1484C>T, p.Pro495Leu (NM_015869.5); c.1484C>T (NM_015869.4); short protein forms P495L, P256L, P465L.
Identifiers: ClinVar variation 8136 (VCV000008136.20), dbSNP rs121909244, ClinGen allele CA119319.